The following is an entry in ClinVar:

NM_019842.4(KCNQ5):c.101G>T (p.Ser34Ile)

Genes: KCNQ5 (potassium voltage-gated channel subfamily Q member 5; plus strand), KCNQ5-DT (KCNQ5 divergent transcript; minus strand), LOC129996711 (ATAC-STARR-seq lymphoblastoid silent region 17329; plus strand). Cytogenetic location: 6q13.
Variant type: single nucleotide variant.
Coding change: c.101G>T on transcript NM_019842.4 (MANE Select); coding-DNA position 101, G replaced by T.
Protein change: p.Ser34Ile; replaces serine 34 with isoleucine.
Molecular consequence: missense variant.
Genome position (GRCh38, 1-based): chr6:72,622,290, G>T. VCF-style: chr6-72622290-G-T. GRCh37 (hg19) VCF-style: chr6-73332018-G-T.
Other names: c.101G>T, p.Ser34Ile (NM_001160130.2, NM_001160132.2, NM_001160133.2 and 1 more transcripts); short protein forms S34I.
Identifiers: ClinVar variation 5041426 (VCV005041426.1).
Genomic context (GRCh38, chr6:72,622,290, plus strand): 5'-CCGGGCTCTGGGTGAAGAGCGGCGCAGCGGCGGCGGCGGCGGGCGGGGGGCGCTTGGGCA[G>T]CGGCATGAAGGATGTGGAGTCCGGCCGGGGCAGGGTGCTGCTGAACTCGGCAGCCGCCAG-3'
Protein context (NP_062816.2, residues 24-44): AAAAGGGRLG[Ser34Ile]GMKDVESGRG

ClinVar aggregate classification (germline): Uncertain significance (1 of 4 stars; one submission).

gnomAD v4.1: 11 of 1,296,360 alleles (0.00085%); highest among the groups gnomAD compares: East Asian, 0.033%; no homozygotes.

Submission:

CeGaT Center for Human Genetics Tuebingen
Classification: Uncertain significance. Last evaluated: 2026-09-01. Review status: criteria provided, single submitter. Criteria: CeGaT Center For Human Genetics Tuebingen Variant Classification Criteria Version 2. Collection method: clinical testing. Allele origin: germline. Affected: yes. Observed: 1 variant allele.
Comment: KCNQ5: PP3